The following is an entry in ClinVar:

ClinVar aggregate classification (germline): Uncertain significance (1 of 4 stars; one submission).

Allele frequency attached by ClinVar (database versions not stated): gnomAD 0.00001; gnomAD exomes 0.00001 and 0.00002; TOPMed 0.00001.
gnomAD v4.1: 10 of 1,610,116 alleles (0.00062%); highest among the groups gnomAD compares: Non-Finnish European, 0.00085%; no homozygotes.

Submission:

Labcorp Genetics (formerly Invitae), Labcorp
Classification: Uncertain significance. Last evaluated: 2022-07-19. Review status: criteria provided, single submitter. Criteria: Invitae Variant Classification Sherloc (09022015). Collection method: clinical testing. Allele origin: germline.
Comment: In summary, the available evidence is currently insufficient to determine the role of this variant in disease. Therefore, it has been classified as a Variant of Uncertain Significance. Algorithms developed to predict the effect of missense changes on protein structure and function are either unavailable or do not agree on the potential impact of this missense change (SIFT: "Deleterious"; PolyPhen-2: "Benign"; Align-GVGD: "Class C0"). ClinVar contains an entry for this variant (Variation ID: 1470305). This variant has not been reported in the literature in individuals affected with RCBTB1-related conditions. This variant is present in population databases (rs541525332, gnomAD 0.004%). This sequence change replaces histidine, which is basic and polar, with arginine, which is basic and polar, at codon 350 of the RCBTB1 protein (p.His350Arg).

NM_018191.4(RCBTB1):c.1049A>G (p.His350Arg)

Gene: RCBTB1 (RCC1 and BTB domain containing protein 1; minus strand). Cytogenetic location: 13q14.2.
Variant type: single nucleotide variant.
Coding change: c.1049A>G on transcript NM_018191.4 (MANE Select); coding-DNA position 1049, A replaced by G.
Protein change: p.His350Arg; replaces histidine 350 with arginine.
Molecular consequence: missense variant. On other transcripts: non-coding transcript variant (2).
Genome position (GRCh38, 1-based): chr13:49,544,860, T>C on the plus strand (A>G on the coding strand, the complement: RCBTB1 is on the minus strand). VCF-style: chr13-49544860-T-C. GRCh37 (hg19) VCF-style: chr13-50118996-T-C.
Other names: c.1049A>G, p.His350Arg (NM_001352500.2, NM_001352501.2, NM_001352502.2 and 2 more transcripts); c.470A>G, p.His157Arg (NM_001352506.2); short protein forms H157R, H350R.
Identifiers: ClinVar variation 1470305 (VCV001470305.8), dbSNP rs541525332, ClinGen allele CA249362186.